The following is an entry in ClinVar:

NM_000435.3(NOTCH3):c.812G>T (p.Cys271Phe)

Gene: NOTCH3 (notch receptor 3; minus strand). Cytogenetic location: 19p13.12.
Variant type: single nucleotide variant.
Coding change: c.812G>T on transcript NM_000435.3 (MANE Select); coding-DNA position 812, G replaced by T.
Protein change: p.Cys271Phe; replaces cysteine 271 with phenylalanine.
Molecular consequence: missense variant.
Genome position (GRCh38, 1-based): chr19:15,191,648, C>A on the plus strand (G>T on the coding strand, the complement: NOTCH3 is on the minus strand). VCF-style: chr19-15191648-C-A. GRCh37 (hg19) VCF-style: chr19-15302459-C-A.
Other names: p.Cys271Phe; short protein forms C271F.
Identifiers: ClinVar variation 3571609 (VCV003571609.3).

ClinVar aggregate classification (germline): Pathogenic. Review status: criteria provided, multiple submitters, no conflicts (2 of 4 stars). 3 submissions from 3 submitters: Pathogenic (3). Last evaluated 2025-07-24.

Conditions:
Cerebral arteriopathy, autosomal dominant, with subcortical infarcts and leukoencephalopathy, type 1 (CADASIL1). Also called: CADASIL 1; CASIL; Cerebral arteriopathy with subcortical infarcts and leukoencephalopathy 1; DEMENTIA, HEREDITARY MULTIINFARCT TYPE. Identifiers: Orphanet 136, MedGen C4551768, MONDO:0000914, OMIM 125310.

Submissions (3):

Mayo Clinic Laboratories, Mayo Clinic
Classification: Pathogenic. Last evaluated: 2025-07-24. Review status: criteria provided, single submitter. Criteria: ACMG Guidelines, 2015. Collection method: clinical testing. Allele origin: germline. Observed: 1 variant allele.
Comment: PP2, PP3_strong, PP4, PM1, PM2_supporting, PM5, PS4_supporting

Athena Diagnostics
Classification: Pathogenic. Last evaluated: 2024-05-17. Review status: criteria provided, single submitter. Criteria: Athena Diagnostics Criteria. Collection method: clinical testing. Allele origin: unknown.
Comment: This variant alters a critical location within the protein, and is expected to severely affect function and cause disease. This variant has not been reported in large, multi-ethnic general populations. This variant has been identified in at least one individual with clinical features associated with CADASIL. Greater than 90% of NOTCH3 pathogenic variants associated with CADASIL involve the gain or loss of a cysteine residue within the epidermal growth factor (EGF)-like repeat domain (PMID: 32457593, 20301673).

Imagene.me medical diagnostic laboratory, IMAGENE.ME SA
Classification: Pathogenic for Cerebral arteriopathy, autosomal dominant, with subcortical infarcts and leukoencephalopathy, type 1. Review status: criteria provided, single submitter. Criteria: IMAGENE.ME Variant Classification SOP 2022. Collection method: clinical testing. Allele origin: germline. Affected: yes.
Comment: Classified according to the IMAGENE.ME variant classification SOP based on the ACMG guidelines as Pathogenic (P): PP3_Strong + PS4_Moderate + PM5 + PM2_Supporting + PP4

Literature cited by the submitters: PubMed 16949066 (cited by Mayo Clinic Laboratories, Mayo Clinic); PubMed 22664156 (cited by Mayo Clinic Laboratories, Mayo Clinic and Athena Diagnostics); PubMed 37873835 (cited by Athena Diagnostics); PubMed 25980907 (cited by Athena Diagnostics).